The following is an entry in ClinVar:

ClinVar aggregate classification (germline): Uncertain significance (1 of 4 stars; one submission).

gnomAD v4.1: 1 of 1,604,696 alleles (0.000062%); highest among the groups gnomAD compares: Admixed American, 0.0017%; no homozygotes.

Submission:

Labcorp Genetics (formerly Invitae), Labcorp
Classification: Uncertain significance. Last evaluated: 2022-08-09. Review status: criteria provided, single submitter. Criteria: Invitae Variant Classification Sherloc (09022015). Collection method: clinical testing. Allele origin: germline.
Comment: This sequence change replaces glycine, which is neutral and non-polar, with valine, which is neutral and non-polar, at codon 425 of the LAMC3 protein (p.Gly425Val). This variant is not present in population databases (gnomAD no frequency). This variant has not been reported in the literature in individuals affected with LAMC3-related conditions. ClinVar contains an entry for this variant (Variation ID: 1413705). Algorithms developed to predict the effect of missense changes on protein structure and function are either unavailable or do not agree on the potential impact of this missense change (SIFT: "Deleterious"; PolyPhen-2: "Probably Damaging"; Align-GVGD: "Class C0"). Algorithms developed to predict the effect of sequence changes on RNA splicing suggest that this variant may disrupt the consensus splice site. In summary, the available evidence is currently insufficient to determine the role of this variant in disease. Therefore, it has been classified as a Variant of Uncertain Significance.

NM_006059.4(LAMC3):c.1274G>T (p.Gly425Val)

Gene: LAMC3 (laminin subunit gamma 3; plus strand). Cytogenetic location: 9q34.12.
Variant type: single nucleotide variant.
Coding change: c.1274G>T on transcript NM_006059.4 (MANE Select); coding-DNA position 1274, G replaced by T.
Protein change: p.Gly425Val; replaces glycine 425 with valine.
Molecular consequence: missense variant.
Genome position (GRCh38, 1-based): chr9:131,039,239, G>T. VCF-style: chr9-131039239-G-T. GRCh37 (hg19) VCF-style: chr9-133914626-G-T.
Other names: short protein forms G425V.
Identifiers: ClinVar variation 1413705 (VCV001413705.3), dbSNP rs201638913, ClinGen allele CA375259972.